The following is an entry in ClinVar:

ClinVar aggregate classification (germline): Uncertain significance (1 of 4 stars; one submission).

Allele frequency attached by ClinVar (database versions not stated): gnomAD exomes below 0.00001; TOPMed below 0.00001; ExAC 0.00001; gnomAD 0.00002.
gnomAD v4.1: 4 of 1,613,632 alleles (0.00025%); highest among the groups gnomAD compares: African/African-American, 0.004%; no homozygotes.

Submission:

Labcorp Genetics (formerly Invitae), Labcorp
Classification: Uncertain significance. Last evaluated: 2024-03-11. Review status: criteria provided, single submitter. Criteria: Invitae Variant Classification Sherloc (09022015). Collection method: clinical testing. Allele origin: germline.
Comment: This sequence change replaces proline, which is neutral and non-polar, with serine, which is neutral and polar, at codon 1021 of the SLC24A1 protein (p.Pro1021Ser). This variant is present in population databases (rs751966682, gnomAD 0.01%). This variant has not been reported in the literature in individuals affected with SLC24A1-related conditions. ClinVar contains an entry for this variant (Variation ID: 2096562). An algorithm developed to predict the effect of missense changes on protein structure and function (PolyPhen-2) suggests that this variant is likely to be disruptive. In summary, the available evidence is currently insufficient to determine the role of this variant in disease. Therefore, it has been classified as a Variant of Uncertain Significance.

NM_004727.3(SLC24A1):c.3061C>T (p.Pro1021Ser)

Gene: SLC24A1 (solute carrier family 24 member 1; plus strand). Cytogenetic location: 15q22.31.
Variant type: single nucleotide variant.
Coding change: c.3061C>T on transcript NM_004727.3 (MANE Select); coding-DNA position 3061, C replaced by T.
Protein change: p.Pro1021Ser; replaces proline 1021 with serine.
Molecular consequence: missense variant. On other transcripts: intron variant (1).
Genome position (GRCh38, 1-based): chr15:65,653,840, C>T. VCF-style: chr15-65653840-C-T. GRCh37 (hg19) VCF-style: chr15-65946178-C-T.
Other names: c.1042C>T, p.Pro348Ser (NM_001254740.2); c.2971C>T, p.Pro991Ser (NM_001301031.1); c.3007C>T, p.Pro1003Ser (NM_001301032.1); c.2719C>T, p.Pro907Ser (NM_001411142.1); c.2996+1032C>T (NM_001301033.2); short protein forms P1003S, P1021S, P348S, P991S, P907S.
Identifiers: ClinVar variation 2096562 (VCV002096562.4), dbSNP rs751966682, ClinGen allele CA7620319.
Genomic context (GRCh38, chr15:65,653,840, plus strand): 5'-GGATTATTATAAACATTAAGGATATTCACATCGTTTCTTCAATCTTGCAGCTTGCCTGTT[C>T]CTTGGTTGCTTTTCTCTCTTATCAATGGATTACAGCCAGTTCCAGTCAGCAGCAATGGCT-3'
Protein context (NP_004718.1, residues 1011-1031): IFDITVGLPV[Pro1021Ser]WLLFSLINGL